The following is an entry in ClinVar:

ClinVar aggregate classification (germline): Pathogenic (1 of 4 stars; one submission).

Conditions:
Primary ciliary dyskinesia 3. Identifiers: Orphanet 244, MedGen C1837618, MONDO:0012085, OMIM 608644.

Submission:

Myriad Genetics, Inc.
Classification: Pathogenic for Primary ciliary dyskinesia 3. Last evaluated: 2024-05-14. Review status: criteria provided, single submitter. Criteria: Myriad Autosomal Dominant, Autosomal Recessive and X-Linked Classification Criteria (2023). Collection method: clinical testing. Allele origin: unknown.
Comment: NM_001369.2(DNAH5):c.4662del1ins17(E1554Dfs*10) is expected to be pathogenic in the context of primary ciliary dyskinesia, DNAH5-related. This variant is predicted to lead to an abnormal or absent protein product due to the creation of a premature termination codon in DNAH5, a gene where loss-of-function variants are known to be pathogenic. Please note: this variant was assessed in the context of healthy population screening.

NM_001369.3(DNAH5):c.4662delinsTGTGTATAAGAGACAGT (p.Glu1554fs)

Genes: DNAH5-AS1 (DNAH5 antisense RNA 1; plus strand), DNAH5 (dynein axonemal heavy chain 5; minus strand). Cytogenetic location: 5p15.2.
Variant type: Indel.
Coding change: c.4662delinsTGTGTATAAGAGACAGT on transcript NM_001369.3 (MANE Select); coding-DNA position 4662, A replaced by TGTGTATAAGAGACAGT.
Protein change: p.Glu1554fs; shifts the reading frame from glutamic acid 1554.
Molecular consequence: frameshift variant.
Genome position (GRCh38, 1-based): chr5:13,862,682, T replaced by ACTGTCTCTTATACACA on the plus strand (A replaced by TGTGTATAAGAGACAGT on the coding strand, the reverse complement: DNAH5 is on the minus strand). VCF-style: chr5-13862682-T-ACTGTCTCTTATACACA. GRCh37 (hg19) VCF-style: chr5-13862791-T-ACTGTCTCTTATACACA.
Other names: short protein forms E1554fs.
Identifiers: ClinVar variation 5010939 (VCV005010939.1).